The following is an entry in ClinVar:

NM_003640.5(ELP1):c.1975A>G (p.Thr659Ala)

Gene: ELP1 (elongator acetyltransferase complex subunit 1; minus strand). Cytogenetic location: 9q31.3.
Variant type: single nucleotide variant.
Coding change: c.1975A>G on transcript NM_003640.5 (MANE Select); coding-DNA position 1975, A replaced by G.
Protein change: p.Thr659Ala; replaces threonine 659 with alanine.
Molecular consequence: missense variant.
Genome position (GRCh38, 1-based): chr9:108,901,464, T>C on the plus strand (A>G on the coding strand, the complement: ELP1 is on the minus strand). VCF-style: chr9-108901464-T-C. GRCh37 (hg19) VCF-style: chr9-111663744-T-C.
Other names: c.1633A>G, p.Thr545Ala (NM_001318360.2); c.928A>G, p.Thr310Ala (NM_001330749.2); short protein forms T310A, T545A, T659A.
Identifiers: ClinVar variation 1026232 (VCV001026232.9), dbSNP rs200117008, ClinGen allele CA374424131.

ClinVar aggregate classification (germline): Uncertain significance. Review status: criteria provided, single submitter (1 of 4 stars). 2 submissions from 2 submitters: Uncertain significance (1). 1 of the submissions does not count toward it. Last evaluated 2021-07-07.

Conditions:
Familial dysautonomia. Also called: FD; HSAN III. Identifiers: Orphanet 1764, MedGen C0013364, MONDO:0009131, OMIM 223900. Disease mechanism: loss of function.

Submissions (2):

Labcorp Genetics (formerly Invitae), Labcorp
Classification: Uncertain significance. Last evaluated: 2021-07-07. Review status: criteria provided, single submitter. Criteria: Invitae Variant Classification Sherloc (09022015). Collection method: clinical testing. Allele origin: germline.
Comment: This sequence change replaces threonine with alanine at codon 659 of the ELP1 protein (p.Thr659Ala). The threonine residue is moderately conserved and there is a small physicochemical difference between threonine and alanine. This variant is not present in population databases (ExAC no frequency). This variant has not been reported in the literature in individuals with ELP1-related conditions. Algorithms developed to predict the effect of missense changes on protein structure and function (SIFT, PolyPhen-2, Align-GVGD) all suggest that this variant is likely to be tolerated, but these predictions have not been confirmed by published functional studies and their clinical significance is uncertain. In summary, the available evidence is currently insufficient to determine the role of this variant in disease. Therefore, it has been classified as a Variant of Uncertain Significance.

Natera, Inc.
Classification: Uncertain significance for Familial dysautonomia. Last evaluated: 2020-05-21. Review status: no assertion criteria provided. Collection method: clinical testing. Allele origin: germline. Not counted in ClinVar's aggregate classification.